The following is an entry in ClinVar:

NM_012254.3(SLC27A5):c.1183-15G>A

Gene: SLC27A5 (solute carrier family 27 member 5; minus strand). Cytogenetic location: 19q13.43.
Variant type: single nucleotide variant.
Coding change: c.1183-15G>A on transcript NM_012254.3 (MANE Select); 15 bases into the intron before coding-DNA position 1183, G replaced by A.
Molecular consequence: intron variant.
Genome position (GRCh38, 1-based): chr19:58,500,721, C>T on the plus strand (G>A on the coding strand, the complement: SLC27A5 is on the minus strand). VCF-style: chr19-58500721-C-T. GRCh37 (hg19) VCF-style: chr19-59012088-C-T.
Other names: c.931-15G>A (NM_001321196.2).
Identifiers: ClinVar variation 4690876 (VCV004690876.2).
Genomic context (GRCh38, chr19:58,500,721, plus strand): 5'-CATTGCCCATTGCCAGGCGGACTGTATGTGTCCGGTCCTCTGGTTGCTACAGGAATGTCC[C>T]CAGAAGGGTGAGGAGGAGGTGCTCTTGGGGCATGCCTTGGAACCTTTACCTAGAGGGGGT-3'

ClinVar aggregate classification (germline): Conflicting classifications of pathogenicity. Review status: criteria provided, conflicting classifications (1 of 4 stars). 2 submissions from 2 submitters: Uncertain significance (1); Likely benign (1). Last evaluated 2026-04-09.

gnomAD v4.1: 81 of 1,605,840 alleles (0.005%); highest among the groups gnomAD compares: African/African-American, 0.1%; no homozygotes.

Submissions (2):

Women's Health and Genetics/Laboratory Corporation of America, LabCorp
Classification: Uncertain significance. Last evaluated: 2026-04-09. Review status: criteria provided, single submitter. Criteria: LabCorp Variant Classification Summary - May 2015. Collection method: clinical testing. Allele origin: germline.
Comment: Variant summary: SLC27A5 c.1183-15G>A alters a non-conserved nucleotide located at a position not widely known to affect splicing. Several computational tools predict a significant impact on normal splicing: Three predict the variant creates a cryptic 3' acceptor site. One predict the variant abolishes the canonical 3' acceptor site. One predict the variant weakens the canonical 3' acceptor site. However, these predictions have yet to be confirmed by functional studies. The variant allele was found at a frequency of 6.4e-05 in 250094 control chromosomes, predominantly at a frequency of 0.00092 within the African or African-American subpopulation in the gnomAD database. This frequency is not significantly higher than estimated for disease-causing variants in SLC27A5, allowing no conclusion about variant significance. To our knowledge, no occurrence of c.1183-15G>A in individuals affected with SLC27A5-related conditions and no experimental evidence demonstrating its impact on protein function have been reported. ClinVar contains an entry for this variant (Variation ID: 4690876). Based on the evidence outlined above, the variant was classified as uncertain significance.

Labcorp Genetics (formerly Invitae), Labcorp
Classification: Likely benign. Last evaluated: 2025-03-11. Review status: criteria provided, single submitter. Criteria: Invitae Variant Classification Sherloc (09022015). Collection method: clinical testing. Allele origin: germline.